The following is an entry in ClinVar:

NM_001082971.2(DDC):c.1385G>A (p.Arg462Gln)

Gene: DDC (dopa decarboxylase; minus strand). Cytogenetic location: 7p12.2.
Variant type: single nucleotide variant.
Coding change: c.1385G>A on transcript NM_001082971.2 (MANE Select); coding-DNA position 1385, G replaced by A.
Protein change: p.Arg462Gln; replaces arginine 462 with glutamine.
Molecular consequence: missense variant.
Genome position (GRCh38, 1-based): chr7:50,463,289, C>T on the plus strand (G>A on the coding strand, the complement: DDC is on the minus strand). VCF-style: chr7-50463289-C-T. GRCh37 (hg19) VCF-style: chr7-50530987-C-T.
Other names: c.1385G>A, p.Arg462Gln (NM_000790.4); c.1271G>A, p.Arg424Gln (NM_001242886.2); c.1241G>A, p.Arg414Gln (NM_001242887.2); c.1151G>A, p.Arg384Gln (NM_001242888.2); c.1106G>A, p.Arg369Gln (NM_001242889.2); short protein forms R462Q, R369Q, R424Q, R384Q, R414Q.
Identifiers: ClinVar variation 360429 (VCV000360429.19), dbSNP rs11575542, ClinGen allele CA4261978.

ClinVar aggregate classification (germline): Benign/Likely benign. Review status: criteria provided, multiple submitters, no conflicts (2 of 4 stars). 9 submissions from 9 submitters: Benign (3); Likely benign (3). 3 of the submissions do not count toward it. Last evaluated 2026-02-03.

Conditions:
Deficiency of aromatic-L-amino-acid decarboxylase. Also called: Aromatic L-Amino Acid Decarboxylase Deficiency; Aromatic amino acid decarboxylase deficiency; AADC DEFICIENCY; DDC DEFICIENCY; DOPA DECARBOXYLASE DEFICIENCY. Identifiers: Orphanet 35708, MedGen C1291564, MONDO:0012084, OMIM 608643.
DDC-related disorder. Also called: DDC-related condition.

Allele frequency attached by ClinVar (database versions not stated): gnomAD exomes 0.02274; ExAC 0.02672; gnomAD 0.05076; 1000 Genomes Project 0.05212; 1000 Genomes Project 30x 0.05403; TOPMed 0.05740; ESP Exome Variant Server 0.06089.
gnomAD v4.1: 35,794 of 1,614,172 alleles (2.2%); highest among the groups gnomAD compares: African/African-American, 15%; 1,143 homozygotes.

Submissions (9):

Labcorp Genetics (formerly Invitae), Labcorp
Classification: Benign for Deficiency of aromatic-L-amino-acid decarboxylase. Last evaluated: 2026-02-03. Review status: criteria provided, single submitter. Criteria: Invitae Variant Classification Sherloc (09022015). Collection method: clinical testing. Allele origin: germline.

Mayo Clinic Laboratories, Mayo Clinic
Classification: Likely benign. Last evaluated: 2025-08-26. Review status: criteria provided, single submitter. Criteria: ACMG Guidelines, 2015. Collection method: clinical testing. Allele origin: germline. Observed: 35 variant alleles.
Comment: BA1, BP4_moderate

Women's Health and Genetics/Laboratory Corporation of America, LabCorp
Classification: Likely benign. Last evaluated: 2021-12-10. Review status: criteria provided, single submitter. Criteria: LabCorp Variant Classification Summary - May 2015. Collection method: clinical testing. Allele origin: germline.

GeneDx
Classification: Benign. Last evaluated: 2019-08-22. Review status: criteria provided, single submitter. Criteria: GeneDx Variant Classification Process June 2021. Collection method: clinical testing. Allele origin: germline. Affected: yes.
Comment: This variant is associated with the following publications: (PMID: 31177555, 30911067)

Illumina Laboratory Services, Illumina
Classification: Benign for Deficiency of aromatic-L-amino-acid decarboxylase. Last evaluated: 2018-03-06. Review status: criteria provided, single submitter. Criteria: ICSL Variant Classification Criteria 13 December 2019. Collection method: clinical testing. Allele origin: germline.
Comment: This variant was observed in the ICSL laboratory as part of a predisposition screen in an ostensibly healthy population. It had not been previously curated by ICSL or reported in the Human Gene Mutation Database (HGMD: prior to June 1st, 2018), and was therefore a candidate for classification through an automated scoring system. Utilizing variant allele frequency, disease prevalence and penetrance estimates, and inheritance mode, an automated score was calculated to assess if this variant is too frequent to cause the disease. Based on the score and internal cut-off values, a variant classified as benign is not then subjected to further curation. The score for this variant resulted in a classification of benign for this disease.

Breakthrough Genomics
Classification: Likely benign. Review status: criteria provided, single submitter. Criteria: ACMG Guidelines, 2015. Collection method: not provided. Allele origin: germline. Inheritance: Autosomal recessive inheritance. Affected: yes.

PreventionGenetics, part of Exact Sciences
Classification: Benign for DDC-related condition. Last evaluated: 2019-11-26. Review status: no assertion criteria provided. Collection method: clinical testing. Allele origin: germline. Not counted in ClinVar's aggregate classification.
Comment: This variant is classified as benign based on ACMG/AMP sequence variant interpretation guidelines (Richards et al. 2015 PMID: 25741868, with internal and published modifications).

Clinical Genetics, Academic Medical Center
Classification: Benign. Review status: no assertion criteria provided. Collection method: clinical testing. Allele origin: germline. Affected: yes. Study: VKGL Data-share Consensus. Not counted in ClinVar's aggregate classification.

Laboratory of Diagnostic Genome Analysis, Leiden University Medical Center (LUMC)
Classification: Likely benign. Review status: no assertion criteria provided. Collection method: clinical testing. Allele origin: germline. Affected: yes. Study: VKGL Data-share Consensus. Not counted in ClinVar's aggregate classification.